The following is an entry in ClinVar:

ClinVar aggregate classification (germline): Uncertain significance (1 of 4 stars; one submission).

Conditions:
Peroxisome biogenesis disorder, complementation group 7 (CG7). Also called: Peroxisome biogenesis disorder, complementation group B. Identifiers: MedGen C1864399.

Submission:

Labcorp Genetics (formerly Invitae), Labcorp
Classification: Uncertain significance for Peroxisome biogenesis disorder, complementation group 7. Last evaluated: 2025-12-07. Review status: criteria provided, single submitter. Criteria: Invitae Variant Classification Sherloc (09022015). Collection method: clinical testing. Allele origin: germline.
Comment: This sequence change falls in intron 4 of the PEX10 gene. It does not directly change the encoded amino acid sequence of the PEX10 protein. This variant is not present in population databases (gnomAD no frequency). This variant has not been reported in the literature in individuals affected with PEX10-related conditions. In summary, the available evidence is currently insufficient to determine the role of this variant in disease. Therefore, it has been classified as a Variant of Uncertain Significance.

NM_002617.4(PEX10):c.776+15_776+33del

Gene: PEX10 (peroxisomal biogenesis factor 10; minus strand). Cytogenetic location: 1p36.32.
Variant type: Deletion.
Coding change: c.776+15_776+33del on transcript NM_002617.4 (MANE Select); bases 15 to 33 of the intron after coding-DNA position 776, 19 bases deleted (CACACATGGGGGCTGGGGG).
Molecular consequence: intron variant.
Genome position (GRCh38, 1-based): chr1:2,406,687-2,406,705, CCCCCAGCCCCCATGTGTG deleted on the plus strand (CACACATGGGGGCTGGGGG on the coding strand, the reverse complement: PEX10 is on the minus strand). VCF-style (leftmost placement, unchanged base first): chr1-2406686-ACCCCCAGCCCCCATGTGTG-A. GRCh37 (hg19) VCF-style: chr1-2338125-ACCCCCAGCCCCCATGTGTG-A.
Other names: c.344+15_344+33del (NM_001374427.1); c.401+15_401+33del (NM_001374426.1); c.833+15_833+33del (NM_001374425.1); c.836+15_836+33del (NM_153818.2).
Identifiers: ClinVar variation 4693098 (VCV004693098.1).